The following is an entry in ClinVar:

ClinVar aggregate classification (germline): Likely pathogenic (1 of 4 stars; one submission).

Allele frequency attached by ClinVar (database versions not stated): gnomAD exomes below 0.00001; gnomAD 0.00002; TOPMed 0.00002.
gnomAD v4.1: 6 of 1,614,052 alleles (0.00037%); highest among the groups gnomAD compares: African/African-American, 0.004%; no homozygotes.

Submission:

GeneDx
Classification: Likely pathogenic. Last evaluated: 2014-04-25. Review status: criteria provided, single submitter. Criteria: GeneDx Variant Classification (06012015). Collection method: clinical testing. Allele origin: germline. Affected: yes.
Comment: p.Ser284Phe (TCC>TTC): c.851 C>T in exon 8 of the SUCLG1 gene (NM_003849.3) S284F has not been published as mutations, or reported as benign polymorphisms to our knowledge. S284F variant is non-conservative amino acid substitution, which is likely to impact secondary protein structure as these residues differ in polarity, charge, size and/or other properties. The substitution occurs at positions that is highly conserved across species. In silico analyses predict that this variant is probably damaging to the protein structure/function. Therefore, the S284F variant is strong candidate for pathogenic mutation, however the possibility that it is a benign variant cannot be excluded. The variant is found in MITONUC-MITOP panel(s).

NM_003849.4(SUCLG1):c.851C>T (p.Ser284Phe)

Gene: SUCLG1 (succinate-CoA ligase GDP/ADP-forming subunit alpha; minus strand). Cytogenetic location: 2p11.2.
Variant type: single nucleotide variant.
Coding change: c.851C>T on transcript NM_003849.4 (MANE Select); coding-DNA position 851, C replaced by T.
Protein change: p.Ser284Phe; replaces serine 284 with phenylalanine.
Molecular consequence: missense variant.
Genome position (GRCh38, 1-based): chr2:84,425,578, G>A on the plus strand (C>T on the coding strand, the complement: SUCLG1 is on the minus strand). VCF-style: chr2-84425578-G-A. GRCh37 (hg19) VCF-style: chr2-84652702-G-A.
Other names: p.S284F:TCC>TTC; short protein forms S284F.
Identifiers: ClinVar variation 203975 (VCV000203975.2), dbSNP rs796052052, ClinGen allele CA313058.